The following is an entry in ClinVar:

NM_001112741.2(KCNC1):c.108del (p.Trp36fs)

Gene: KCNC1 (potassium voltage-gated channel subfamily C member 1; plus strand). Cytogenetic location: 11p15.1.
Variant type: Deletion.
Coding change: c.108del on transcript NM_001112741.2 (MANE Select); coding-DNA position 108, one base deleted (G; older notation c.108delG).
Protein change: p.Trp36fs; shifts the reading frame from tryptophan 36.
Molecular consequence: frameshift variant.
Genome position (GRCh38, 1-based): chr11:17,736,110, G deleted; the last of 2 consecutive G bases (chr11:17,736,109-17,736,110); deleting either gives the same sequence. VCF-style (leftmost placement, unchanged base first): chr11-17736108-TG-T. GRCh37 (hg19) VCF-style: chr11-17757655-TG-T.
Other names: c.108del, p.Trp36fs (NM_004976.4); c.108delG (NM_001112741.1); short protein forms W36fs.
Identifiers: ClinVar variation 658535 (VCV000658535.9), dbSNP rs1590088831, ClinGen allele CA915947976.

ClinVar aggregate classification (germline): Likely pathogenic (1 of 4 stars; one submission).

Conditions:
Progressive myoclonic epilepsy type 7. Identifiers: Orphanet 435438, MedGen C4015420, MONDO:0014521, OMIM 616187.

Submission:

Labcorp Genetics (formerly Invitae), Labcorp
Classification: Likely pathogenic for Progressive myoclonic epilepsy type 7. Last evaluated: 2018-10-08. Review status: criteria provided, single submitter. Criteria: Invitae Variant Classification Sherloc (09022015). Collection method: clinical testing. Allele origin: germline.
Comment: This sequence change creates a premature translational stop signal (p.Trp36Cysfs*33) in the KCNC1 gene. It is expected to result in an absent or disrupted protein product. This variant is not present in population databases (ExAC no frequency). This variant has not been reported in the literature in individuals with KCNC1-related disease. The current clinical and genetic evidence is not sufficient to establish whether loss-of-function variants in KCNC1 cause disease. In summary, the currently available evidence indicates that the variant is pathogenic, but additional data are needed to prove that conclusively. Therefore, this variant has been classified as Likely Pathogenic. This variant disrupts a region of the protein in which other variant(s) (p.Thr231Ala, p.Arg320His, p.Arg339*) have been observed in affected individuals (PMID: 25401298, 28380698, 28145425, Invitae). This suggests that this may be a clinically significant region of the KCNC1 protein.

Literature cited by the submitters: PubMed 25401298; PubMed 28380698; PubMed 28145425.